The following is an entry in ClinVar:

NM_001040142.2(SCN2A):c.5839G>A (p.Glu1947Lys)

Gene: SCN2A (sodium voltage-gated channel alpha subunit 2; plus strand). Cytogenetic location: 2q24.3.
Variant type: single nucleotide variant.
Coding change: c.5839G>A on transcript NM_001040142.2 (MANE Select); coding-DNA position 5839, G replaced by A.
Protein change: p.Glu1947Lys; replaces glutamic acid 1947 with lysine.
Molecular consequence: missense variant.
Genome position (GRCh38, 1-based): chr2:165,389,645, G>A. VCF-style: chr2-165389645-G-A. GRCh37 (hg19) VCF-style: chr2-166246155-G-A.
Other names: c.5839G>A, p.Glu1947Lys (NM_001040143.2, NM_001371246.1, NM_001371247.1 and 1 more transcripts); short protein forms E1947K.
Identifiers: ClinVar variation 1320700 (VCV001320700.9), dbSNP rs1464068986, ClinGen allele CA349040607.
Genomic context (GRCh38, chr2:165,389,645, plus strand): 5'-AAGGTATCAAGTATATACAAGAAAGACAAAGGCAAAGAATGTGATGGAACACCCATCAAA[G>A]AAGATACTCTCATTGATAAACTGAATGAGAATTCAACTCCAGAGAAAACCGATATGACGC-3'
Protein context (NP_001035232.1, residues 1937-1957): GKECDGTPIK[Glu1947Lys]DTLIDKLNEN

ClinVar aggregate classification (germline): Uncertain significance. Review status: criteria provided, multiple submitters, no conflicts (2 of 4 stars). 2 submissions from 2 submitters: Uncertain significance (2). Last evaluated 2021-01-16.

Conditions:
Developmental and epileptic encephalopathy, 11 (DEE11). Also called: Early infantile epileptic encephalopathy 11. Identifiers: Orphanet 1934, MedGen C3150987, MONDO:0013388, OMIM 613721.
Seizures, benign familial infantile, 3 (BFIS3). Also called: CONVULSIONS, BENIGN FAMILIAL INFANTILE, 3; Familial neonatal seizures. Identifiers: Orphanet 140927, Orphanet 306, MedGen C1843140, MONDO:0011904, OMIM 607745.

Allele frequency attached by ClinVar (database versions not stated): gnomAD 0.00001; gnomAD exomes 0.00001.
gnomAD v4.1: 4 of 1,613,804 alleles (0.00025%); highest among the groups gnomAD compares: Non-Finnish European, 0.00034%; no homozygotes.

Submissions (2):

Labcorp Genetics (formerly Invitae), Labcorp
Classification: Uncertain significance for Seizures, benign familial infantile, 3; Developmental and epileptic encephalopathy, 11. Last evaluated: 2021-01-16. Review status: criteria provided, single submitter. Criteria: Invitae Variant Classification Sherloc (09022015). Collection method: clinical testing. Allele origin: germline.
Comment: This sequence change replaces glutamic acid with lysine at codon 1947 of the SCN2A protein (p.Glu1947Lys). The glutamic acid residue is highly conserved and there is a small physicochemical difference between glutamic acid and lysine. This variant is not present in population databases (ExAC no frequency). This variant has not been reported in the literature in individuals with SCN2A-related conditions. Algorithms developed to predict the effect of missense changes on protein structure and function are either unavailable or do not agree on the potential impact of this missense change (SIFT: "Deleterious"; PolyPhen-2: "Benign"; Align-GVGD: "Class C0"). In summary, the available evidence is currently insufficient to determine the role of this variant in disease. Therefore, it has been classified as a Variant of Uncertain Significance.

GeneDx
Classification: Uncertain significance. Last evaluated: 2019-12-19. Review status: criteria provided, single submitter. Criteria: GeneDx Variant Classification Process June 2021. Collection method: clinical testing. Allele origin: germline. Affected: yes.
Comment: Not observed at a significant frequency in large population cohorts (Lek et al., 2016); The majority of missense variants in this gene are considered pathogenic (Stenson et al., 2014); In silico analysis, which includes protein predictors and evolutionary conservation, supports that this variant does not alter protein structure/function; Has not been previously published as pathogenic or benign to our knowledge; This substitution is predicted to be within the C-terminal cytoplasmic domain